The following is an entry in ClinVar:

ClinVar aggregate classification (germline): Uncertain significance (1 of 4 stars; one submission).

Conditions:
Cardiovascular phenotype. Identifiers: MedGen CN230736.

gnomAD v4.1: 2 of 1,614,038 alleles (0.00012%); highest among the groups gnomAD compares: African/African-American, 0.0027%; no homozygotes.

Submission:

Ambry Genetics
Classification: Uncertain significance for Cardiovascular phenotype. Last evaluated: 2024-12-14. Review status: criteria provided, single submitter. Criteria: Ambry Variant Classification Scheme 2023. Collection method: clinical testing. Allele origin: germline.
Comment: The p.C1662S variant (also known as c.4985G>C), located in coding exon 26 of the APOB gene, results from a G to C substitution at nucleotide position 4985. The cysteine at codon 1662 is replaced by serine, an amino acid with dissimilar properties. This amino acid position is conserved. In addition, this alteration is predicted to be tolerated by in silico analysis. Based on the available evidence, the clinical significance of this variant remains unclear.

NM_000384.3(APOB):c.4985G>C (p.Cys1662Ser)

Gene: APOB (apolipoprotein B; minus strand). Cytogenetic location: 2p24.1.
Variant type: single nucleotide variant.
Coding change: c.4985G>C on transcript NM_000384.3 (MANE Select); coding-DNA position 4985, G replaced by C.
Protein change: p.Cys1662Ser; replaces cysteine 1662 with serine.
Molecular consequence: missense variant.
Genome position (GRCh38, 1-based): chr2:21,011,883, C>G on the plus strand (G>C on the coding strand, the complement: APOB is on the minus strand). VCF-style: chr2-21011883-C-G. GRCh37 (hg19) VCF-style: chr2-21234755-C-G.
Other names: short protein forms C1662S.
Identifiers: ClinVar variation 3884951 (VCV003884951.1).